The following is an entry in ClinVar:

ClinVar aggregate classification (germline): Uncertain significance (1 of 4 stars; one submission).

gnomAD v4.1: 8 of 1,612,500 alleles (0.0005%); highest among the groups gnomAD compares: Non-Finnish European, 0.00059%; no homozygotes.

Submission:

Labcorp Genetics (formerly Invitae), Labcorp
Classification: Uncertain significance. Last evaluated: 2024-10-30. Review status: criteria provided, single submitter. Criteria: Invitae Variant Classification Sherloc (09022015). Collection method: clinical testing. Allele origin: germline.
Comment: This sequence change replaces alanine, which is neutral and non-polar, with valine, which is neutral and non-polar, at codon 472 of the MTMR14 protein (p.Ala472Val). The frequency data for this variant in the population databases is considered unreliable, as metrics indicate poor data quality at this position in the gnomAD database. This variant has not been reported in the literature in individuals affected with MTMR14-related conditions. Invitae Evidence Modeling of protein sequence and biophysical properties (such as structural, functional, and spatial information, amino acid conservation, physicochemical variation, residue mobility, and thermodynamic stability) indicates that this missense variant is not expected to disrupt MTMR14 protein function with a negative predictive value of 80%. In summary, the available evidence is currently insufficient to determine the role of this variant in disease. Therefore, it has been classified as a Variant of Uncertain Significance.

NM_001077525.3(MTMR14):c.1415C>T (p.Ala472Val)

Gene: MTMR14 (myotubularin related protein 14; plus strand). Cytogenetic location: 3p25.3.
Variant type: single nucleotide variant.
Coding change: c.1415C>T on transcript NM_001077525.3 (MANE Select); coding-DNA position 1415, C replaced by T.
Protein change: p.Ala472Val; replaces alanine 472 with valine.
Molecular consequence: missense variant. On other transcripts: non-coding transcript variant (9).
Genome position (GRCh38, 1-based): chr3:9,689,064, C>T. VCF-style: chr3-9689064-C-T. GRCh37 (hg19) VCF-style: chr3-9730748-C-T.
Other names: c.698C>T, p.Ala233Val (NM_001400549.1, NM_001400538.1); c.554C>T, p.Ala185Val (NM_001400550.1, NM_001400544.1, NM_001400547.1 and 1 more transcripts); c.1415C>T, p.Ala472Val (NM_022485.5, NM_001077526.3); c.773C>T, p.Ala258Val (NM_001400539.1, NM_001400540.1, NM_001400541.1 and 7 more transcripts); c.1484C>T, p.Ala495Val (NM_001400521.1, NM_001400518.1); c.1412C>T, p.Ala471Val (NM_001400522.1, NM_001400519.1); c.1340C>T, p.Ala447Val (NM_001400523.1, NM_001400528.1, NM_001400520.1); c.1169C>T, p.Ala390Val (NM_001400524.1, NM_001400527.1, NM_001400530.1); and 5 more; short protein forms A378V, A447V, A185V, A258V, A365V, A495V, A233V, A353V.
Identifiers: ClinVar variation 3708465 (VCV003708465.2).
Genomic context (GRCh38, chr3:9,689,064, plus strand): 5'-GTTCCCCAGGAGCCACTGGGAGCTTCACCTATGAGGCCGTGGAGCTGGTCCCAGCAGGAG[C>T]GCCAACTCAGGCAGCTTGGTAAGGGGCCAGACTTGGACCAAGGTCACTCACAGCTGTGGC-3'
Protein context (NP_001070993.1, residues 462-482): YEAVELVPAG[Ala472Val]PTQAAWRKSH